The following is an entry in ClinVar:

ClinVar aggregate classification (germline): Benign. Review status: criteria provided, multiple submitters, no conflicts (2 of 4 stars). 3 submissions from 3 submitters: Benign (2). 1 of the submissions does not count toward it. Last evaluated 2026-02-01.

Conditions:
SAMD11-related disorder. Also called: SAMD11-related condition.

Allele frequency attached by ClinVar (database versions not stated): gnomAD exomes 0.00091 and 0.00183; ExAC 0.00595; gnomAD 0.00862 and 0.00932; TOPMed 0.00991; ESP Exome Variant Server 0.01083; 1000 Genomes Project 0.01098; 1000 Genomes Project 30x 0.01109.
gnomAD v4.1: 2,639 of 1,572,136 alleles (0.17%); highest among the groups gnomAD compares: African/African-American, 3.1%; 48 homozygotes.

Submissions (3):

Labcorp Genetics (formerly Invitae), Labcorp
Classification: Benign. Last evaluated: 2026-02-01. Review status: criteria provided, single submitter. Criteria: Invitae Variant Classification Sherloc (09022015). Collection method: clinical testing. Allele origin: germline.

Breakthrough Genomics
Classification: Benign. Review status: criteria provided, single submitter. Criteria: ACMG Guidelines, 2015. Collection method: not provided. Allele origin: germline. Inheritance: Unknown mechanism. Affected: yes.

PreventionGenetics, part of Exact Sciences
Classification: Benign for SAMD11-related condition. Last evaluated: 2019-03-19. Review status: no assertion criteria provided. Collection method: clinical testing. Allele origin: germline. Not counted in ClinVar's aggregate classification.
Comment: This variant is classified as benign based on ACMG/AMP sequence variant interpretation guidelines (Richards et al. 2015 PMID: 25741868, with internal and published modifications).

NM_001385641.1(SAMD11):c.659G>A (p.Arg220Gln)

Gene: SAMD11 (sterile alpha motif domain containing 11; plus strand). Cytogenetic location: 1p36.33.
Variant type: single nucleotide variant.
Coding change: c.659G>A on transcript NM_001385641.1 (MANE Select); coding-DNA position 659, G replaced by A.
Protein change: p.Arg220Gln; replaces arginine 220 with glutamine.
Molecular consequence: missense variant.
Genome position (GRCh38, 1-based): chr1:930,204, G>A. VCF-style: chr1-930204-G-A. GRCh37 (hg19) VCF-style: chr1-865584-G-A.
Other names: c.659G>A, p.Arg220Gln (NM_001385640.1); c.122G>A, p.Arg41Gln (NM_152486.4); c.122G>A (NM_152486.2); short protein forms R220Q, R41Q.
Identifiers: ClinVar variation 1170208 (VCV001170208.10), dbSNP rs148711625, ClinGen allele CA502429.